The following is an entry in ClinVar:

ClinVar aggregate classification (germline): Likely pathogenic (1 of 4 stars; one submission).

Submission:

Labcorp Genetics (formerly Invitae), Labcorp
Classification: Likely pathogenic. Last evaluated: 2023-04-20. Review status: criteria provided, single submitter. Criteria: Invitae Variant Classification Sherloc (09022015). Collection method: clinical testing. Allele origin: germline.
Comment: This variant is not present in population databases (gnomAD no frequency). This sequence change affects an acceptor splice site in intron 27 of the ITGB4 gene. It is expected to disrupt RNA splicing. Variants that disrupt the donor or acceptor splice site typically lead to a loss of protein function (PMID: 16199547), and loss-of-function variants in ITGB4 are known to be pathogenic (PMID: 11328943, 16473856). In summary, the currently available evidence indicates that the variant is pathogenic, but additional data are needed to prove that conclusively. Therefore, this variant has been classified as Likely Pathogenic. Algorithms developed to predict the effect of sequence changes on RNA splicing suggest that this variant may disrupt the consensus splice site. This variant has not been reported in the literature in individuals affected with ITGB4-related conditions.

Literature cited by the submitters: PubMed 16199547; PubMed 11328943; PubMed 16473856.

NM_000213.5(ITGB4):c.3317-1G>T

Gene: ITGB4 (integrin subunit beta 4; plus strand). Cytogenetic location: 17q25.1.
Variant type: single nucleotide variant.
Coding change: c.3317-1G>T on transcript NM_000213.5 (MANE Select); the canonical splice acceptor site of the intron before coding-DNA position 3317, G replaced by T.
Molecular consequence: splice acceptor variant.
Genome position (GRCh38, 1-based): chr17:75,750,110, G>T. VCF-style: chr17-75750110-G-T. GRCh37 (hg19) VCF-style: chr17-73746191-G-T.
Other names: c.3317-1G>T (NM_001005619.2, NM_001005731.3, NM_001438834.1 and 1 more transcripts).
Identifiers: ClinVar variation 2850675 (VCV002850675.3), dbSNP rs2545834731, ClinGen allele CA401074246.
Genomic context (GRCh38, chr17:75,750,110, plus strand): 5'-GGCGCCCCCTGGTGGTGAAGGGGGATCTGAGTGGTTGCCCGGCCCCAACCTGACCCGTTA[G>T]ATGAACTGGACCGGAGCTTCACGAGTCAGATGTTGTCATCACAGCCACCCCCTCACGGCG-3'